The following is an entry in ClinVar:

ClinVar aggregate classification (germline): Pathogenic (1 of 4 stars; one submission).

Conditions:
Seizures, benign familial infantile, 3 (BFIS3). Also called: CONVULSIONS, BENIGN FAMILIAL INFANTILE, 3; Familial neonatal seizures. Identifiers: Orphanet 140927, Orphanet 306, MedGen C1843140, MONDO:0011904, OMIM 607745.
Developmental and epileptic encephalopathy, 11 (DEE11). Also called: Early infantile epileptic encephalopathy 11. Identifiers: Orphanet 1934, MedGen C3150987, MONDO:0013388, OMIM 613721.

Submission:

Labcorp Genetics (formerly Invitae), Labcorp
Classification: Pathogenic for Seizures, benign familial infantile, 3; Developmental and epileptic encephalopathy, 11. Last evaluated: 2023-09-06. Review status: criteria provided, single submitter. Criteria: Invitae Variant Classification Sherloc (09022015). Collection method: clinical testing. Allele origin: germline.
Comment: This sequence change replaces alanine, which is neutral and non-polar, with glutamic acid, which is acidic and polar, at codon 1643 of the SCN2A protein (p.Ala1643Glu). This variant is not present in population databases (gnomAD no frequency). This missense change has been observed in individual(s) with clinical features of developmental and epileptic encephalopathy (Invitae). In at least one individual the variant was observed to be de novo. Advanced modeling of protein sequence and biophysical properties (such as structural, functional, and spatial information, amino acid conservation, physicochemical variation, residue mobility, and thermodynamic stability) performed at Invitae indicates that this missense variant is expected to disrupt SCN2A protein function. For these reasons, this variant has been classified as Pathogenic.

NM_001040142.2(SCN2A):c.4928C>A (p.Ala1643Glu)

Gene: SCN2A (sodium voltage-gated channel alpha subunit 2; plus strand). Cytogenetic location: 2q24.3.
Variant type: single nucleotide variant.
Coding change: c.4928C>A on transcript NM_001040142.2 (MANE Select); coding-DNA position 4928, C replaced by A.
Protein change: p.Ala1643Glu; replaces alanine 1643 with glutamic acid.
Molecular consequence: missense variant.
Genome position (GRCh38, 1-based): chr2:165,388,734, C>A. VCF-style: chr2-165388734-C-A. GRCh37 (hg19) VCF-style: chr2-166245244-C-A.
Other names: c.4928C>A, p.Ala1643Glu (NM_001040143.2, NM_001371246.1, NM_001371247.1 and 1 more transcripts); short protein forms A1643E.
Identifiers: ClinVar variation 2949708 (VCV002949708.3), dbSNP rs2468157631, ClinGen allele CA349037806.